The following is an entry in ClinVar:

NM_001164508.2(NEB):c.10571A>G (p.Lys3524Arg)

Gene: NEB (nebulin; minus strand). Cytogenetic location: 2q23.3.
Variant type: single nucleotide variant.
Coding change: c.10571A>G on transcript NM_001164508.2 (MANE Select); coding-DNA position 10571, A replaced by G.
Protein change: p.Lys3524Arg; replaces lysine 3524 with arginine.
Molecular consequence: missense variant.
Genome position (GRCh38, 1-based): chr2:151,619,752, T>C on the plus strand (A>G on the coding strand, the complement: NEB is on the minus strand). VCF-style: chr2-151619752-T-C. GRCh37 (hg19) VCF-style: chr2-152476266-T-C.
Other names: c.10571A>G, p.Lys3524Arg (NM_001164507.2, NM_001271208.2); c.9842A>G, p.Lys3281Arg (NM_004543.5); short protein forms K3281R, K3524R.
Identifiers: ClinVar variation 3896931 (VCV003896931.1).

ClinVar aggregate classification (germline): Uncertain significance (1 of 4 stars; one submission).

gnomAD v4.1: 3 of 1,609,840 alleles (0.00019%); highest among the groups gnomAD compares: Middle Eastern, 0.017%; no homozygotes.

Submission:

Kariminejad - Najmabadi Pathology & Genetics Center
Classification: Uncertain significance. Last evaluated: 2022-09-30. Review status: criteria provided, single submitter. Criteria: ACMG Guidelines, 2015. Collection method: clinical testing. Allele origin: germline. Inheritance: Autosomal recessive inheritance. Affected: yes.
Comment: PM2, PP3